The following is an entry in ClinVar:

ClinVar aggregate classification (germline): Uncertain significance. Review status: criteria provided, multiple submitters, no conflicts (2 of 4 stars). 2 submissions from 2 submitters: Uncertain significance (2). Last evaluated 2026-01-14.

Conditions:
Glomerulopathy with fibronectin deposits 2 (GFND2). Identifiers: Orphanet 84090, MedGen C1866075, MONDO:0011165, OMIM 601894.

Submissions (2):

Labcorp Genetics (formerly Invitae), Labcorp
Classification: Uncertain significance. Last evaluated: 2026-01-14. Review status: criteria provided, single submitter. Criteria: Invitae Variant Classification Sherloc (09022015). Collection method: clinical testing. Allele origin: germline.
Comment: This sequence change replaces threonine, which is neutral and polar, with asparagine, which is neutral and polar, at codon 2249 of the FN1 protein (p.Thr2249Asn). This variant is not present in population databases (gnomAD no frequency). This variant has not been reported in the literature in individuals affected with FN1-related conditions. ClinVar contains an entry for this variant (Variation ID: 977101). An algorithm developed to predict the effect of missense changes on protein structure and function (PolyPhen-2) suggests that this variant is likely to be disruptive. In summary, the available evidence is currently insufficient to determine the role of this variant in disease. Therefore, it has been classified as a Variant of Uncertain Significance.

Johns Hopkins Genomics, Johns Hopkins University
Classification: Uncertain significance for Glomerulopathy with fibronectin deposits 2. Last evaluated: 2020-07-02. Review status: criteria provided, single submitter. Criteria: ACMG Guidelines, 2015. Collection method: clinical testing. Allele origin: germline.
Comment: This FN1 variant (rs990526466) is rare (<0.1%) in a large population dataset (gnomAD: 2/282830 total alleles; 0.0007%; no homozygotes) and has not been reported in ClinVar nor the literature, to our knowledge. Two bioinformatic tools queried predict that this substitution would be damaging, and the threonine residue at this position is highly evolutionarily conserved across all species assessed. Due to lack of functional and segregation data, we consider the clinical significance of c.6746C>A to be uncertain at this time.

NM_212482.4(FN1):c.6746C>A (p.Thr2249Asn)

Gene: FN1 (fibronectin 1; minus strand). Cytogenetic location: 2q35.
Variant type: single nucleotide variant.
Coding change: c.6746C>A on transcript NM_212482.4 (MANE Select); coding-DNA position 6746, C replaced by A.
Protein change: p.Thr2249Asn; replaces threonine 2249 with asparagine.
Molecular consequence: missense variant.
Genome position (GRCh38, 1-based): chr2:215,370,401, G>T on the plus strand (C>A on the coding strand, the complement: FN1 is on the minus strand). VCF-style: chr2-215370401-G-T. GRCh37 (hg19) VCF-style: chr2-216235124-G-T.
Other names: c.6653C>A, p.Thr2218Asn (NM_001306129.2); c.6116C>A, p.Thr2039Asn (NM_001306130.2); c.6110C>A, p.Thr2037Asn (NM_001306131.2); c.6035C>A, p.Thr2012Asn (NM_001306132.2); c.6476C>A, p.Thr2159Asn (NM_001365517.2); c.6473C>A, p.Thr2158Asn (NM_001365518.2); c.6401C>A, p.Thr2134Asn (NM_001365519.2); c.6398C>A, p.Thr2133Asn (NM_001365520.2); and 8 more; short protein forms T1948N, T2012N, T2037N, T2038N, T2039N, T2043N, T2068N, T2102N.
Identifiers: ClinVar variation 977101 (VCV000977101.2), dbSNP rs2055652501, ClinGen allele CA350464702.
Genomic context (GRCh38, chr2:215,370,401, plus strand): 5'-TGGTCTTTCAGTGCCTCCACTATGACGTTGTAGGTGGCACCTCTGGTGAGGCCTGTCAGA[G>T]TGGCACTGGTAGAAGTTCCAGGAACCCTGAACTGCAATTATCGGTACATCCAAAGCAGAG-3'
Protein context (NP_997647.2, residues 2239-2259): FRVPGTSTSA[Thr2249Asn]LTGLTRGATY